The following is an entry in ClinVar:

ClinVar aggregate classification (germline): Uncertain significance (1 of 4 stars; one submission).

gnomAD v4.1: 1 of 1,613,982 alleles (0.000062%); highest among the groups gnomAD compares: East Asian, 0.0022%; no homozygotes.

Submission:

Labcorp Genetics (formerly Invitae), Labcorp
Classification: Uncertain significance. Last evaluated: 2022-07-05. Review status: criteria provided, single submitter. Criteria: Invitae Variant Classification Sherloc (09022015). Collection method: clinical testing. Allele origin: germline.
Comment: In summary, the available evidence is currently insufficient to determine the role of this variant in disease. Therefore, it has been classified as a Variant of Uncertain Significance. Variants that disrupt the consensus splice site are a relatively common cause of aberrant splicing (PMID: 17576681, 9536098). Algorithms developed to predict the effect of sequence changes on RNA splicing suggest that this variant may disrupt the consensus splice site. Algorithms developed to predict the effect of missense changes on protein structure and function are either unavailable or do not agree on the potential impact of this missense change (SIFT: "Not Available"; PolyPhen-2: "Benign"; Align-GVGD: "Not Available"). This variant has not been reported in the literature in individuals affected with HYOU1-related conditions. This variant is present in population databases (rs782295978, gnomAD 0.01%). This sequence change replaces arginine, which is basic and polar, with leucine, which is neutral and non-polar, at codon 509 of the HYOU1 protein (p.Arg509Leu). This variant also falls at the last nucleotide of exon 13, which is part of the consensus splice site for this exon.

Literature cited by the submitters: PubMed 17576681; PubMed 9536098.

NM_006389.5(HYOU1):c.1526G>T (p.Arg509Leu)

Gene: HYOU1 (hypoxia up-regulated 1; minus strand). Cytogenetic location: 11q23.3.
Variant type: single nucleotide variant.
Coding change: c.1526G>T on transcript NM_006389.5 (MANE Select); coding-DNA position 1526, G replaced by T.
Protein change: p.Arg509Leu; replaces arginine 509 with leucine.
Molecular consequence: missense variant.
Genome position (GRCh38, 1-based): chr11:119,051,438, C>A on the plus strand (G>T on the coding strand, the complement: HYOU1 is on the minus strand). VCF-style: chr11-119051438-C-A. GRCh37 (hg19) VCF-style: chr11-118922150-C-A.
Other names: c.1526G>T, p.Arg509Leu (NM_001130991.3, NM_001411041.1); short protein forms R509L.
Identifiers: ClinVar variation 2026654 (VCV002026654.4), dbSNP rs782295978, ClinGen allele CA229621754.